The following is an entry in ClinVar:

ClinVar aggregate classification (germline): Uncertain significance (1 of 4 stars; one submission).

Conditions:
Hereditary cancer-predisposing syndrome. Also called: Neoplastic Syndromes, Hereditary; Tumor predisposition; Hereditary Cancer Syndrome; Hereditary neoplastic syndrome. Identifiers: Orphanet 140162, MedGen C0027672, MeSH D009386, MONDO:0015356.

gnomAD v4.1: 1 of 1,613,644 alleles (0.000062%); highest among the groups gnomAD compares: Non-Finnish European, 0.000085%; no homozygotes.

Submission:

Ambry Genetics
Classification: Uncertain significance for Hereditary cancer-predisposing syndrome. Last evaluated: 2026-03-16. Review status: criteria provided, single submitter. Criteria: Ambry Variant Classification Scheme 2023. Collection method: clinical testing. Allele origin: germline.
Comment: The p.S277A variant (also known as c.829T>G), located in coding exon 6 of the BRIP1 gene, results from a T to G substitution at nucleotide position 829. The serine at codon 277 is replaced by alanine, an amino acid with similar properties. This amino acid position is conserved. In addition, this alteration is predicted to be tolerated by in silico analysis. Based on the available evidence, the clinical significance of this variant remains unclear.

NM_032043.3(BRIP1):c.829T>G (p.Ser277Ala)

Gene: BRIP1 (BRCA1 interacting DNA helicase 1; minus strand). Cytogenetic location: 17q23.2.
Variant type: single nucleotide variant.
Coding change: c.829T>G on transcript NM_032043.3 (MANE Select); coding-DNA position 829, T replaced by G.
Protein change: p.Ser277Ala; replaces serine 277 with alanine.
Molecular consequence: missense variant.
Genome position (GRCh38, 1-based): chr17:61,808,556, A>C on the plus strand (T>G on the coding strand, the complement: BRIP1 is on the minus strand). VCF-style: chr17-61808556-A-C. GRCh37 (hg19) VCF-style: chr17-59885917-A-C.
Other names: short protein forms S277A.
Identifiers: ClinVar variation 4867901 (VCV004867901.1).